The following is an entry in ClinVar:

NM_000051.4(ATM):c.6154G>T (p.Glu2052Ter)

Genes: ATM (ATM serine/threonine kinase; plus strand), C11orf65 (chromosome 11 open reading frame 65; minus strand). Cytogenetic location: 11q22.3.
Variant type: single nucleotide variant.
Coding change: c.6154G>T on transcript NM_000051.4 (MANE Select); coding-DNA position 6154, G replaced by T.
Protein change: p.Glu2052Ter; replaces glutamic acid 2052 with a stop codon.
Molecular consequence: nonsense. On other transcripts: intron variant (2).
Genome position (GRCh38, 1-based): chr11:108,316,069, G>T. VCF-style: chr11-108316069-G-T. GRCh37 (hg19) VCF-style: chr11-108186796-G-T.
Other names: c.6154G>T, p.Glu2052Ter (NM_001351834.2); c.641-6998C>A (NM_001330368.2); c.*39-6998C>A (NM_001351110.2); short protein forms E2052*.
Identifiers: ClinVar variation 2840869 (VCV002840869.3), dbSNP rs202206540, ClinGen allele CA382550597.

ClinVar aggregate classification (germline): Pathogenic (1 of 4 stars; one submission).

Conditions:
Ataxia-telangiectasia syndrome (AT). Also called: LOUIS-BAR SYNDROME; Cerebello-oculocutaneous telangiectasia; Immunodeficiency with ataxia telangiectasia; Ataxia telangiectasia (A-T); Ataxia-telangiectasia, complementation group D; AT, COMPLEMENTATION GROUP C. Identifiers: Orphanet 100, MedGen C0004135, MONDO:0008840, OMIM 208900.

Submission:

Labcorp Genetics (formerly Invitae), Labcorp
Classification: Pathogenic for Ataxia-telangiectasia syndrome. Last evaluated: 2023-11-11. Review status: criteria provided, single submitter. Criteria: Invitae Variant Classification Sherloc (09022015). Collection method: clinical testing. Allele origin: germline.
Comment: This sequence change creates a premature translational stop signal (p.Glu2052*) in the ATM gene. It is expected to result in an absent or disrupted protein product. Loss-of-function variants in ATM are known to be pathogenic (PMID: 23807571, 25614872). This variant is not present in population databases (gnomAD no frequency). This variant has not been reported in the literature in individuals affected with ATM-related conditions. Algorithms developed to predict the effect of sequence changes on RNA splicing suggest that this variant may disrupt the consensus splice site. For these reasons, this variant has been classified as Pathogenic.

Literature cited by the submitters: PubMed 23807571; PubMed 25614872.